The following is an entry in ClinVar:

NM_004525.3(LRP2):c.6283C>T (p.Arg2095Ter)

Gene: LRP2 (LDL receptor related protein 2; minus strand). Cytogenetic location: 2q31.1.
Variant type: single nucleotide variant.
Coding change: c.6283C>T on transcript NM_004525.3 (MANE Select); coding-DNA position 6283, C replaced by T.
Protein change: p.Arg2095Ter; replaces arginine 2095 with a stop codon.
Molecular consequence: nonsense.
Genome position (GRCh38, 1-based): chr2:169,209,639, G>A on the plus strand (C>T on the coding strand, the complement: LRP2 is on the minus strand). VCF-style: chr2-169209639-G-A. GRCh37 (hg19) VCF-style: chr2-170066149-G-A.
Other names: c.6283C>T (NM_004525.2); short protein forms R2095*.
Identifiers: ClinVar variation 1457342 (VCV001457342.8), dbSNP rs753549113, ClinGen allele CA1954316.

ClinVar aggregate classification (germline): Pathogenic/Likely pathogenic. Review status: criteria provided, multiple submitters, no conflicts (2 of 4 stars). 3 submissions from 3 submitters: Pathogenic (2); Likely pathogenic (1). Last evaluated 2024-11-01.

Conditions:
LRP2-related disorder. Also called: LRP2-related condition.
Donnai-Barrow syndrome. Also called: DBS/FOAR SYNDROME; FACIOOCULOACOUSTICORENAL SYNDROME. Identifiers: Orphanet 2143, MedGen C1857277, MONDO:0009104, OMIM 222448.

Allele frequency attached by ClinVar (database versions not stated): gnomAD exomes 0.00001; TOPMed below 0.00001; ExAC 0.00001.
gnomAD v4.1: 9 of 1,613,812 alleles (0.00056%); highest among the groups gnomAD compares: Non-Finnish European, 0.00076%; no homozygotes.

Submissions (3):

Myriad Genetics, Inc.
Classification: Pathogenic for Donnai-Barrow syndrome. Last evaluated: 2024-11-01. Review status: criteria provided, single submitter. Criteria: Myriad Autosomal Dominant, Autosomal Recessive and X-Linked Classification Criteria (2023). Collection method: clinical testing. Allele origin: unknown.
Comment: NM_004525.2(LRP2):c.6283C>T(R2095*) is expected to be pathogenic in the context of Donnai-Barrow syndrome. This variant is predicted to lead to an abnormal or absent protein product due to the creation of a premature termination codon in LRP2, a gene where loss-of-function variants are known to be pathogenic. Please note: this variant was assessed in the context of healthy population screening.

Labcorp Genetics (formerly Invitae), Labcorp
Classification: Pathogenic. Last evaluated: 2023-08-30. Review status: criteria provided, single submitter. Criteria: Invitae Variant Classification Sherloc (09022015). Collection method: clinical testing. Allele origin: germline.
Comment: This sequence change creates a premature translational stop signal (p.Arg2095*) in the LRP2 gene. It is expected to result in an absent or disrupted protein product. Loss-of-function variants in LRP2 are known to be pathogenic (PMID: 17632512, 25682901). This variant is present in population databases (rs753549113, gnomAD 0.002%). This variant has not been reported in the literature in individuals affected with LRP2-related conditions. For these reasons, this variant has been classified as Pathogenic. ClinVar contains an entry for this variant (Variation ID: 1457342).

PreventionGenetics, part of Exact Sciences
Classification: Likely pathogenic for LRP2-related condition. Last evaluated: 2023-01-30. Review status: criteria provided, single submitter. Criteria: ACMG Guidelines, 2015. Collection method: clinical testing. Allele origin: germline.
Comment: The LRP2 c.6283C>T variant is predicted to result in premature protein termination (p.Arg2095*). To our knowledge, this variant is not reported in the literature. This variant is reported in 0.0018% of alleles in individuals of European (Non-Finnish) descent in gnomAD. Nonsense variants in LRP2 are expected to be pathogenic. This variant is interpreted as likely pathogenic.

Literature cited by the submitters: PubMed 17632512 (cited by Labcorp Genetics (formerly Invitae), Labcorp); PubMed 25682901 (cited by Labcorp Genetics (formerly Invitae), Labcorp).